The following is an entry in ClinVar:

ClinVar aggregate classification (germline): Conflicting classifications of pathogenicity. Review status: criteria provided, conflicting classifications (1 of 4 stars). 3 submissions from 3 submitters: Uncertain significance (2); Likely benign (1). Last evaluated 2025-10-17.

Conditions:
Hereditary cancer-predisposing syndrome. Also called: Tumor predisposition; Neoplastic Syndromes, Hereditary; Hereditary Cancer Syndrome; Hereditary neoplastic syndrome. Identifiers: Orphanet 140162, MedGen C0027672, MeSH D009386, MONDO:0015356.
Fanconi anemia complementation group O. Also called: RAD51C-Related Fanconi Anemia. Identifiers: Orphanet 84, MedGen C3150653, MONDO:0013248, OMIM 613390.

Allele frequency attached by ClinVar (database versions not stated): gnomAD exomes 0.00001 and 0.00002; ExAC 0.00002.
gnomAD v4.1: 10 of 1,611,708 alleles (0.00062%); highest among the groups gnomAD compares: South Asian, 0.011%; no homozygotes.

Submissions (3):

Ambry Genetics
Classification: Likely benign for Hereditary cancer-predisposing syndrome. Last evaluated: 2025-10-17. Review status: criteria provided, single submitter. Criteria: Ambry Variant Classification Scheme 2023. Collection method: clinical testing. Allele origin: germline.

Labcorp Genetics (formerly Invitae), Labcorp
Classification: Uncertain significance for Fanconi anemia complementation group O. Last evaluated: 2024-08-28. Review status: criteria provided, single submitter. Criteria: Invitae Variant Classification Sherloc (09022015). Collection method: clinical testing. Allele origin: germline.
Comment: This sequence change replaces lysine, which is basic and polar, with threonine, which is neutral and polar, at codon 235 of the RAD51C protein (p.Lys235Thr). This variant is present in population databases (rs748043225, gnomAD 0.01%). This variant has not been reported in the literature in individuals affected with RAD51C-related conditions. ClinVar contains an entry for this variant (Variation ID: 630133). An algorithm developed to predict the effect of missense changes on protein structure and function (PolyPhen-2) suggests that this variant is likely to be tolerated. In summary, the available evidence is currently insufficient to determine the role of this variant in disease. Therefore, it has been classified as a Variant of Uncertain Significance.

Color Diagnostics, LLC DBA Color Health
Classification: Uncertain significance for Hereditary cancer-predisposing syndrome. Last evaluated: 2021-01-25. Review status: criteria provided, single submitter. Criteria: ACMG Guidelines, 2015. Collection method: clinical testing. Allele origin: germline.
Comment: This missense variant replaces lysine with threonine at codon 235 of the RAD51C protein. Computational prediction suggests that this variant may not impact protein structure and function (internally defined REVEL score threshold <= 0.5, PMID: 27666373). To our knowledge, functional studies have not been reported for this variant. This variant has not been reported in individuals affected with hereditary cancer in the literature. This variant has been identified in 4/251054 chromosomes in the general population by the Genome Aggregation Database (gnomAD). The available evidence is insufficient to determine the role of this variant in disease conclusively. Therefore, this variant is classified as a Variant of Uncertain Significance.

NM_058216.3(RAD51C):c.704A>C (p.Lys235Thr)

Genes: RAD51C (RAD51 paralog C; plus strand), LOC129390903 (MPRA-validated peak2919 silencer; plus strand). Cytogenetic location: 17q22.
Variant type: single nucleotide variant.
Coding change: c.704A>C on transcript NM_058216.3 (MANE Select); coding-DNA position 704, A replaced by C.
Protein change: p.Lys235Thr; replaces lysine 235 with threonine.
Molecular consequence: missense variant. On other transcripts: non-coding transcript variant (1).
Genome position (GRCh38, 1-based): chr17:58,703,328, A>C. VCF-style: chr17-58703328-A-C. GRCh37 (hg19) VCF-style: chr17-56780689-A-C.
Other names: short protein forms K235T.
Identifiers: ClinVar variation 630133 (VCV000630133.18), dbSNP rs748043225, ClinGen allele CA8677294.